The following is an entry in ClinVar:

NM_031448.6(C19orf12):c.244C>A (p.Pro82Thr)

Gene: C19orf12 (chromosome 19 open reading frame 12; minus strand). Cytogenetic location: 19q12.
Variant type: single nucleotide variant.
Coding change: c.244C>A on transcript NM_031448.6 (MANE Select); coding-DNA position 244, C replaced by A.
Protein change: p.Pro82Thr; replaces proline 82 with threonine.
Molecular consequence: missense variant.
Genome position (GRCh38, 1-based): chr19:29,702,894, G>T on the plus strand (C>A on the coding strand, the complement: C19orf12 is on the minus strand). VCF-style: chr19-29702894-G-T. GRCh37 (hg19) VCF-style: chr19-30193801-G-T.
Other names: p.Pro82Thr; c.244C>A, p.Pro82Thr (NM_001031726.4, NM_001256046.3, NM_001256047.2); c.52C>A, p.Pro18Thr (NM_001282929.1, NM_001282930.3, NM_001282931.3); short protein forms P18T, P82T.
Identifiers: ClinVar variation 2579684 (VCV002579684.4), dbSNP rs574975743, ClinGen allele CA9351903.

ClinVar aggregate classification (germline): Uncertain significance. Review status: criteria provided, multiple submitters, no conflicts (2 of 4 stars). 2 submissions from 2 submitters: Uncertain significance (2). Last evaluated 2024-11-07.

Conditions:
Hereditary spastic paraplegia 43. Also called: Spastic paraplegia 43, autosomal recessive. Identifiers: Orphanet 320370, MedGen C2680446, MONDO:0014024, OMIM 615043.
Neurodegeneration with brain iron accumulation 4 (NBIA4). Also called: MITOCHONDRIAL PROTEIN-ASSOCIATED NEURODEGENERATION. Identifiers: Orphanet 289560, MedGen C3280371, MONDO:0013674, OMIM 614298. Disease mechanism: loss of function.

Allele frequency attached by ClinVar (database versions not stated): TOPMed 0.00002; ExAC 0.00010; 1000 Genomes Project 30x 0.00031; 1000 Genomes Project 0.00040.
gnomAD v4.1: 75 of 1,614,196 alleles (0.0046%); highest among the groups gnomAD compares: South Asian, 0.08%; 1 homozygote.

Submissions (2):

Labcorp Genetics (formerly Invitae), Labcorp
Classification: Uncertain significance for Hereditary spastic paraplegia 43. Last evaluated: 2024-11-07. Review status: criteria provided, single submitter. Criteria: Invitae Variant Classification Sherloc (09022015). Collection method: clinical testing. Allele origin: germline.
Comment: This sequence change replaces proline, which is neutral and non-polar, with threonine, which is neutral and polar, at codon 93 of the C19orf12 protein (p.Pro93Thr). This variant is present in population databases (rs574975743, gnomAD 0.07%). This missense change has been observed in individual(s) with autosomal recessive mitochondrial membrane protein-associated neurodegeneration (PMID: 34272103). ClinVar contains an entry for this variant (Variation ID: 2579684). An algorithm developed to predict the effect of missense changes on protein structure and function (PolyPhen-2) suggests that this variant¬¨‚Ä†is likely to be tolerated. In summary, the available evidence is currently insufficient to determine the role of this variant in disease. Therefore, it has been classified as a Variant of Uncertain Significance.

Foundation for Research in Genetics and Endocrinology, FRIGE's Institute of Human Genetics
Classification: Uncertain significance for Neurodegeneration with brain iron accumulation 4. Last evaluated: 2023-09-09. Review status: criteria provided, single submitter. Criteria: ACMG Guidelines, 2015. Collection method: clinical testing. Allele origin: germline. Inheritance: Autosomal dominant inheritance. Affected: yes. Observed: 1 heterozygote.
Comment: The identified heterozygous missense substitution (p.Pro82Thr) lies in exon 3 of the C19orf12 gene and alters a conserved residue in the protein. The identified variant has been reported in the dbSNP database with an identification number rs574975743 and in the gnomAD database with MAF of 0.01%. The in silico prediction of the variant is damaging by FATHMM, LRT, Mutation Assessor, Mutation Taster and SIFT. In summary, the variant meets our criteria to be classified as variant of uncertain significance.

Literature cited by the submitters: PubMed 34272103 (cited by Labcorp Genetics (formerly Invitae), Labcorp).